The following is an entry in ClinVar:

NM_000041.4(APOE):c.542A>T (p.Gln181Leu)

Gene: APOE (apolipoprotein E; plus strand). Cytogenetic location: 19q13.32.
Variant type: single nucleotide variant.
Coding change: c.542A>T on transcript NM_000041.4 (MANE Select); coding-DNA position 542, A replaced by T.
Protein change: p.Gln181Leu; replaces glutamine 181 with leucine.
Molecular consequence: missense variant.
Genome position (GRCh38, 1-based): chr19:44,908,838, A>T. VCF-style: chr19-44908838-A-T. GRCh37 (hg19) VCF-style: chr19-45412095-A-T.
Other names: c.620A>T, p.Gln207Leu (NM_001302688.2); c.542A>T, p.Gln181Leu (NM_001302689.2, NM_001302690.2, NM_001302691.2); short protein forms Q181L, Q207L.
Identifiers: ClinVar variation 1747488 (VCV001747488.3), dbSNP rs2513541830, ClinGen allele CA406304223.
Genomic context (GRCh38, chr19:44,908,838, plus strand): 5'-AGCTGCGTAAGCGGCTCCTCCGCGATGCCGATGACCTGCAGAAGCGCCTGGCAGTGTACC[A>T]GGCCGGGGCCCGCGAGGGCGCCGAGCGCGGCCTCAGCGCCATCCGCGAGCGCCTGGGGCC-3'
Protein context (NP_000032.1, residues 171-191): DDLQKRLAVY[Gln181Leu]AGAREGAERG

ClinVar aggregate classification (germline): Uncertain significance (1 of 4 stars; one submission).

Conditions:
Cardiovascular phenotype. Identifiers: MedGen CN230736.

Submission:

Ambry Genetics
Classification: Uncertain significance for Cardiovascular phenotype. Last evaluated: 2022-04-19. Review status: criteria provided, single submitter. Criteria: Ambry Variant Classification Scheme 2023. Collection method: clinical testing. Allele origin: germline.
Comment: The p.Q181L variant (also known as c.542A>T), located in coding exon 3 of the APOE gene, results from an A to T substitution at nucleotide position 542. The glutamine at codon 181 is replaced by leucine, an amino acid with dissimilar properties. This amino acid position is conserved. In addition, this alteration is predicted to be tolerated by in silico analysis.Since supporting evidence is limited at this time, the clinical significance of this alteration remains unclear.